The following is an entry in ClinVar:

NM_018684.4(ZC4H2):c.638G>A (p.Arg213Gln)

Gene: ZC4H2 (zinc finger C4H2-type containing; minus strand). Cytogenetic location: Xq11.2.
Variant type: single nucleotide variant.
Coding change: c.638G>A on transcript NM_018684.4 (MANE Select); coding-DNA position 638, G replaced by A.
Protein change: p.Arg213Gln; replaces arginine 213 with glutamine.
Molecular consequence: missense variant. On other transcripts: non-coding transcript variant (1).
Genome position (GRCh38, 1-based): chrX:64,917,820, C>T on the plus strand (G>A on the coding strand, the complement: ZC4H2 is on the minus strand). VCF-style: chrX-64917820-C-T. GRCh37 (hg19) VCF-style: chrX-64137700-C-T.
Other names: c.569G>A, p.Arg190Gln (NM_001178032.3, NM_001243804.2); c.475G>A, p.Gly159Arg (NM_001178033.3); short protein forms G159R, R190Q, R213Q.
Identifiers: ClinVar variation 1691760 (VCV001691760.6), dbSNP rs2147345630, ClinGen allele CA413411082.

ClinVar aggregate classification (germline): Conflicting classifications of pathogenicity. Review status: criteria provided, conflicting classifications (1 of 4 stars). 3 submissions from 3 submitters: Likely pathogenic (1); Uncertain significance (2). Last evaluated 2024-12-11.

Conditions:
Inborn genetic diseases. Identifiers: MedGen C0950123, MeSH D030342.

Submissions (3):

Ambry Genetics
Classification: Uncertain significance for Inborn genetic diseases. Last evaluated: 2024-12-11. Review status: criteria provided, single submitter. Criteria: Ambry Variant Classification Scheme 2023. Collection method: clinical testing. Allele origin: germline.

Labcorp Genetics (formerly Invitae), Labcorp
Classification: Uncertain significance. Last evaluated: 2023-11-13. Review status: criteria provided, single submitter. Criteria: Invitae Variant Classification Sherloc (09022015). Collection method: clinical testing. Allele origin: germline.
Comment: This sequence change replaces arginine, which is basic and polar, with glutamine, which is neutral and polar, at codon 213 of the ZC4H2 protein (p.Arg213Gln). This variant is not present in population databases (gnomAD no frequency). This variant has not been reported in the literature in individuals affected with ZC4H2-related conditions. ClinVar contains an entry for this variant (Variation ID: 1691760). An algorithm developed to predict the effect of missense changes on protein structure and function (PolyPhen-2) suggests that this variant is likely to be disruptive. This variant disrupts the p.Arg213 amino acid residue in ZC4H2. Other variant(s) that disrupt this residue have been determined to be pathogenic (PMID: 23623388, 26056227). This suggests that this residue is clinically significant, and that variants that disrupt this residue are likely to be disease-causing. In summary, the available evidence is currently insufficient to determine the role of this variant in disease. Therefore, it has been classified as a Variant of Uncertain Significance.

GeneDx
Classification: Likely pathogenic. Last evaluated: 2022-03-23. Review status: criteria provided, single submitter. Criteria: GeneDx Variant Classification Process June 2021. Collection method: clinical testing. Allele origin: germline. Affected: yes.
Comment: Not observed at significant frequency in large population cohorts (gnomAD); In silico analysis supports that this missense variant has a deleterious effect on protein structure/function; Has not been previously published as pathogenic or benign to our knowledge

Literature cited by the submitters: PubMed 23623388 (cited by Labcorp Genetics (formerly Invitae), Labcorp); PubMed 26056227 (cited by Labcorp Genetics (formerly Invitae), Labcorp).